The following is an entry in ClinVar:

ClinVar aggregate classification (germline): Uncertain significance. Review status: criteria provided, multiple submitters, no conflicts (2 of 4 stars). 6 submissions from 6 submitters: Uncertain significance (5). 1 of the submissions does not count toward it. Last evaluated 2025-12-03.

Conditions:
Hereditary cancer-predisposing syndrome. Also called: Tumor predisposition; Neoplastic Syndromes, Hereditary; Hereditary Cancer Syndrome; Hereditary neoplastic syndrome. Identifiers: Orphanet 140162, MedGen C0027672, MeSH D009386, MONDO:0015356.
Malignant tumor of breast. Also called: Cancer breast; Malignant breast neoplasm. Identifiers: MedGen C0006142, MONDO:0007254. Disease mechanism: loss of function.
Familial cancer of breast. Also called: Hereditary breast cancer; BREAST CANCER, FAMILIAL; hereditary breast carcinoma. Identifiers: Orphanet 227535, MedGen C0346153, MONDO:0016419, OMIM 114480. Disease mechanism: loss of function.

Allele frequency attached by ClinVar (database versions not stated): gnomAD exomes 0.00001; ExAC 0.00002.
gnomAD v4.1: 3 of 1,614,186 alleles (0.00019%); highest among the groups gnomAD compares: Non-Finnish European, 0.00025%; no homozygotes.

Submissions (6):

Labcorp Genetics (formerly Invitae), Labcorp
Classification: Uncertain significance for Familial cancer of breast. Last evaluated: 2025-12-03. Review status: criteria provided, single submitter. Criteria: Invitae Variant Classification Sherloc (09022015). Collection method: clinical testing. Allele origin: germline.
Comment: This sequence change replaces serine, which is neutral and polar, with asparagine, which is neutral and polar, at codon 781 of the PALB2 protein (p.Ser781Asn). This variant is present in population databases (rs761298847, gnomAD 0.002%). This variant has not been reported in the literature in individuals affected with PALB2-related conditions. ClinVar contains an entry for this variant (Variation ID: 245658). Invitae Evidence Modeling of protein sequence and biophysical properties (such as structural, functional, and spatial information, amino acid conservation, physicochemical variation, residue mobility, and thermodynamic stability) indicates that this missense variant is not expected to disrupt PALB2 protein function with a negative predictive value of 80%. In summary, the available evidence is currently insufficient to determine the role of this variant in disease. Therefore, it has been classified as a Variant of Uncertain Significance.

Ambry Genetics
Classification: Uncertain significance for Hereditary cancer-predisposing syndrome. Last evaluated: 2025-10-25. Review status: criteria provided, single submitter. Criteria: Ambry Variant Classification Scheme 2023. Collection method: clinical testing. Allele origin: germline.
Comment: The p.S781N variant (also known as c.2342G>A), located in coding exon 5 of the PALB2 gene, results from a G to A substitution at nucleotide position 2342. The serine at codon 781 is replaced by asparagine, an amino acid with highly similar properties. This amino acid position is not well conserved in available vertebrate species. In addition, this alteration is predicted to be tolerated by in silico analysis. Since supporting evidence is limited at this time, the clinical significance of this alteration remains unclear.

Color Diagnostics, LLC DBA Color Health
Classification: Uncertain significance for Hereditary cancer-predisposing syndrome. Last evaluated: 2025-07-18. Review status: criteria provided, single submitter. Criteria: ACMG Guidelines, 2015. Collection method: clinical testing. Allele origin: germline.
Comment: This missense variant replaces serine with asparagine at codon 781 of the PALB2 protein. Computational prediction suggests that this variant may not impact protein structure and function. To our knowledge, functional studies have not been reported for this variant. This variant has not been reported in individuals affected with PALB2-related disorders in the literature. This variant has been identified in 2/251404 chromosomes in the general population by the Genome Aggregation Database (gnomAD). The available evidence is insufficient to determine the role of this variant in disease conclusively. Therefore, this variant is classified as a Variant of Uncertain Significance.

Sema4
Classification: Uncertain significance for Hereditary cancer-predisposing syndrome. Last evaluated: 2021-08-06. Review status: criteria provided, single submitter. Criteria: Sema4 Curation Guidelines. Collection method: curation. Allele origin: germline.
Comment: The PALB2 c.2342G>A (p.S781N) variant has not been reported in the literature to our knowledge. It was observed in 2/113724 chromosomes of the Non-Finnish European subpopulation in the large and broad cohorts of the Genome Aggregation Database (PMID: 32461654). The variant has been reported in ClinVar (Variation ID 245658). In silico tools suggest the impact of the variant on protein function is benign, though these predictions have not been confirmed by functional studies. The evidence is insufficient to meet ACMG/AMP criteria for classifying the variant as benign or pathogenic. Thus, the clinical significance of this variant is currently uncertain.

GeneDx
Classification: Uncertain significance. Last evaluated: 2015-11-19. Review status: criteria provided, single submitter. Criteria: GeneDx Variant Classification (06012015). Collection method: clinical testing. Allele origin: germline. Affected: yes.
Comment: This variant is denoted PALB2 c.2342G>A at the cDNA level, p.Ser781Asn (S781N) at the protein level, and results in the change of a Serine to an Asparagine (AGC>AAC). This variant has not, to our knowledge, been published in the literature as pathogenic or benign. PALB2 Ser781Asn was not observed in approximately 6,500 individuals of European and African American ancestry in the NHLBI Exome Sequencing Project, indicating it is not a common benign variant in these populations. Since Serine and Asparagine share similar properties, this is considered a conservative amino acid substitution. PALB2 Ser781Asn occurs at a position that is not conserved across species and is located in the region required for interaction with POLH and POLH DNA synthesis stimulation (UniProt). In silico analyses predict that this variant is unlikely to alter protein structure or function. Based on currently available information, it is unclear whether PALB2 Ser781Asn is pathogenic or benign. We consider it to be a variant of uncertain significance.

Department of Pathology and Laboratory Medicine, Sinai Health System
Classification: Uncertain significance for Malignant tumor of breast. Review status: no assertion criteria provided. Collection method: clinical testing. Allele origin: unknown. Affected: yes. Study: The Canadian Open Genetics Repository (COGR). Not counted in ClinVar's aggregate classification.
Comment: The PALB2 p.Ser781Asn variant was not identified in the literature nor was it identified in Cosmic, MutDB, LOVD 3.0, or Zhejiang University Database. The variant was identified in dbSNP (ID: rs761298847 as "With Uncertain significance allele") and in ClinVar (classified as uncertain significance by GeneDx). The variant was identified in control databases in 2 of 246208 chromosomes at a frequency of 0.000008 (Genome Aggregation Database Feb 27, 2017). The variant was observed in European population in 2 of 111692 chromosomes (freq: 0.00002), while the variant was not observed in the African, Other, Latino, Ashkenazi Jewish, East Asian, Finnish, or South Asian populations. The p.Ser781 residue is not conserved in mammals and 5 of 5 computational analyses (PolyPhen-2, SIFT, AlignGVGD, BLOSUM, MutationTaster) do not suggest a high likelihood of impact to the protein; however, this information is not predictive enough to rule out pathogenicity. The variant occurs outside of the splicing consensus sequence and only 1 of 4 in silico or computational prediction software programs (SpliceSiteFinder, MaxEntScan, NNSPLICE, GeneSplicer) predict a greater than 10% difference in splicing; this is not very predictive of pathogenicity. In summary, based on the above information the clinical significance of this variant cannot be determined with certainty at this time. This variant is classified as a variant of uncertain significance.

NM_024675.4(PALB2):c.2342G>A (p.Ser781Asn)

Gene: PALB2 (partner and localizer of BRCA2; minus strand). Cytogenetic location: 16p12.2.
Variant type: single nucleotide variant.
Coding change: c.2342G>A on transcript NM_024675.4 (MANE Select); coding-DNA position 2342, G replaced by A.
Protein change: p.Ser781Asn; replaces serine 781 with asparagine.
Molecular consequence: missense variant.
Genome position (GRCh38, 1-based): chr16:23,629,812, C>T on the plus strand (G>A on the coding strand, the complement: PALB2 is on the minus strand). VCF-style: chr16-23629812-C-T. GRCh37 (hg19) VCF-style: chr16-23641133-C-T.
Other names: short protein forms S781N.
Identifiers: ClinVar variation 245658 (VCV000245658.18), dbSNP rs761298847, ClinGen allele CA7963591.